The following is an entry in ClinVar:

ClinVar aggregate classification (germline): Benign/Likely benign. Review status: criteria provided, multiple submitters, no conflicts (2 of 4 stars). 7 submissions from 7 submitters: Benign (1); Likely benign (3). 3 of the submissions do not count toward it. Last evaluated 2026-01-22.

Conditions:
VPS33B-related disorder. Also called: VPS33B-related condition.
Arthrogryposis, renal dysfunction, and cholestasis 1 (ARCS1). Identifiers: Orphanet 2697, MedGen C1859722, MONDO:0008822, OMIM 208085.

Allele frequency attached by ClinVar (database versions not stated): ESP Exome Variant Server 0.00054; TOPMed 0.00075; 1000 Genomes Project 30x 0.00125; 1000 Genomes Project 0.00140; gnomAD exomes 0.00156 and 0.00205; gnomAD 0.00157 and 0.00158; ExAC 0.00227.

Submissions (7):

Labcorp Genetics (formerly Invitae), Labcorp
Classification: Benign. Last evaluated: 2026-01-22. Review status: criteria provided, single submitter. Criteria: Invitae Variant Classification Sherloc (09022015). Collection method: clinical testing. Allele origin: germline.

Blueprint Genetics
Classification: Likely benign. Last evaluated: 2024-11-27. Review status: criteria provided, single submitter. Criteria: ACMG Guidelines, 2015. Collection method: clinical testing. Allele origin: germline.

CeGaT Center for Human Genetics Tuebingen
Classification: Likely benign. Last evaluated: 2022-12-01. Review status: criteria provided, single submitter. Criteria: CeGaT Center For Human Genetics Tuebingen Variant Classification Criteria Version 2. Collection method: clinical testing. Allele origin: germline. Affected: yes. Observed: 2 variant alleles.
Comment: VPS33B: BP4, BS2

Illumina Laboratory Services, Illumina
Classification: Likely benign for Arthrogryposis, renal dysfunction, and cholestasis 1. Last evaluated: 2018-01-13. Review status: criteria provided, single submitter. Criteria: ICSL Variant Classification Criteria 13 December 2019. Collection method: clinical testing. Allele origin: germline.
Comment: This variant was observed in the ICSL laboratory as part of a predisposition screen in an ostensibly healthy population. It had not been previously curated by ICSL or reported in the Human Gene Mutation Database (HGMD: prior to June 1st, 2018), and was therefore a candidate for classification through an automated scoring system. Utilizing variant allele frequency, disease prevalence and penetrance estimates, and inheritance mode, an automated score was calculated to assess if this variant is too frequent to cause the disease. Based on the score and internal cut-off values, a variant classified as likely benign is not then subjected to further curation. The score for this variant resulted in a classification of likely benign for this disease.

PreventionGenetics, part of Exact Sciences
Classification: Benign for VPS33B-related condition. Last evaluated: 2020-05-04. Review status: no assertion criteria provided. Collection method: clinical testing. Allele origin: germline. Not counted in ClinVar's aggregate classification.
Comment: This variant is classified as benign based on ACMG/AMP sequence variant interpretation guidelines (Richards et al. 2015 PMID: 25741868, with internal and published modifications).

Diagnostic Laboratory, Department of Genetics, University Medical Center Groningen
Classification: Likely benign. Review status: no assertion criteria provided. Collection method: clinical testing. Allele origin: germline. Affected: yes. Study: VKGL Data-share Consensus. Not counted in ClinVar's aggregate classification.

Genome Diagnostics Laboratory, University Medical Center Utrecht
Classification: Likely benign. Review status: no assertion criteria provided. Collection method: clinical testing. Allele origin: germline. Affected: yes. Study: VKGL Data-share Consensus. Not counted in ClinVar's aggregate classification.

NM_018668.5(VPS33B):c.1166G>A (p.Arg389Gln)

Gene: VPS33B (VPS33B late endosome and lysosome associated; minus strand). Cytogenetic location: 15q26.1.
Variant type: single nucleotide variant.
Coding change: c.1166G>A on transcript NM_018668.5 (MANE Select); coding-DNA position 1166, G replaced by A.
Protein change: p.Arg389Gln; replaces arginine 389 with glutamine.
Molecular consequence: missense variant.
Genome position (GRCh38, 1-based): chr15:91,005,059, C>T on the plus strand (G>A on the coding strand, the complement: VPS33B is on the minus strand). VCF-style: chr15-91005059-C-T. GRCh37 (hg19) VCF-style: chr15-91548289-C-T.
Other names: c.1085G>A, p.Arg362Gln (NM_001289148.1); c.893G>A, p.Arg298Gln (NM_001289149.1); short protein forms R362Q, R298Q, R389Q.
Identifiers: ClinVar variation 771913 (VCV000771913.58), dbSNP rs145070485, ClinGen allele CA7744770.
Genomic context (GRCh38, chr15:91,005,059, plus strand): 5'-GGCCGACCCCACCTCTAAATGCCATTCTTGGCACCCCCAGCCCTCCACCTGCGCACCTGC[C>T]GGTCTATGTGTTCCTCAATGTAGCTGGTGCTCTCCCGGATGTTGAACCCCTCTAGCAGTG-3'
Protein context (NP_061138.3, residues 379-399): STSYIEEHID[Arg389Gln]QVSPIESLRL